The following continues an entry in ClinVar:

NM_007294.4(BRCA1):c.68_69del (p.Glu23fs)

Gene: BRCA1. ClinVar aggregate classification (germline): Pathogenic. Pathogenic (1).

Submissions 62 to 90 of 97:

University of Washington Department of Laboratory Medicine, University of Washington
Classification: Pathogenic for Breast-ovarian cancer, familial, susceptibility to, 1. Last evaluated: 2015-11-20. Review status: criteria provided, single submitter. Criteria: Shirts et al. (Genet Med 2016). Collection method: clinical testing. Allele origin: germline. Affected: yes and no. Observed: 2 variant alleles. Not counted in ClinVar's aggregate classification.

Consortium of Investigators of Modifiers of BRCA1/2 (CIMBA), c/o University of Cambridge
Classification: Pathogenic for Breast-ovarian cancer, familial, susceptibility to, 1. Last evaluated: 2015-10-02. Review status: criteria provided, single submitter. Criteria: CIMBA Mutation Classification guidelines May 2016. Collection method: clinical testing. Allele origin: germline. Not counted in ClinVar's aggregate classification.

Department of Medical Genetics, Oslo University Hospital
Classification: Pathogenic for Breast-ovarian cancer, familial, susceptibility to, 1. Last evaluated: 2015-07-01. Review status: criteria provided, single submitter. Criteria: ACMG Guidelines, 2015. Collection method: clinical testing. Allele origin: germline. Affected: yes. Observed: 13 variant alleles. Not counted in ClinVar's aggregate classification.

Molecular Genetics Laboratory, University of Michigan
Classification: Pathogenic for Breast-ovarian cancer, familial, susceptibility to, 1. Last evaluated: 2014-11-03. Review status: criteria provided, single submitter. Criteria: ACMG Guidelines, 2015. Collection method: clinical testing. Allele origin: germline. Affected: yes. Not counted in ClinVar's aggregate classification.

Clinical Genetics and Genomics, Karolinska University Hospital
Classification: Pathogenic. Last evaluated: 2014-06-05. Review status: criteria provided, single submitter. Criteria: ACMG Guidelines, 2015. Collection method: clinical testing. Allele origin: germline. Affected: yes. Observed: 15 variant alleles. Not counted in ClinVar's aggregate classification.

Genesis Genomics
Classification: Pathogenic for Breast-ovarian cancer, familial, susceptibility to, 1. Review status: criteria provided, single submitter. Criteria: ACMG Guidelines, 2015. Collection method: clinical testing. Allele origin: germline. Affected: yes and no. Observed: 5 variant alleles. Clinical features observed: Breast cancer. Not counted in ClinVar's aggregate classification.

GreenArray Genomic Research & Solutions of Accurate Diagnostic Private Limited
Classification: Pathogenic for Breast-ovarian cancer, familial, susceptibility to, 1. Review status: criteria provided, single submitter. Criteria: ACMG Guidelines, 2015. Collection method: clinical testing. Allele origin: germline. Affected: no. Not counted in ClinVar's aggregate classification.

GreenArray Genomic Research & Solutions of Accurate Diagnostic Private Limited
Classification: Pathogenic for Invasive medullary breast carcinoma. Review status: criteria provided, single submitter. Criteria: ACMG Guidelines, 2015. Collection method: clinical testing. Allele origin: germline. Affected: yes. Not counted in ClinVar's aggregate classification.

Hadassah Hebrew University Medical Center
Classification: Pathogenic for Breast-ovarian cancer, familial, susceptibility to, 1. Review status: criteria provided, single submitter. Criteria: ACMG Guidelines, 2015. Collection method: research. Allele origin: germline. Affected: no. Observed: 1 variant allele. Not counted in ClinVar's aggregate classification.

Molecular Endocrinology Laboratory, Christian Medical College
Classification: Pathogenic for Breast-ovarian cancer, familial, susceptibility to, 1. Review status: criteria provided, single submitter. Criteria: ACMG Guidelines, 2015. Collection method: clinical testing. Allele origin: germline. Affected: yes. Not counted in ClinVar's aggregate classification.

Neuberg Centre For Genomic Medicine, NCGM
Classification: Pathogenic for Breast-ovarian cancer, familial, susceptibility to, 1. Review status: criteria provided, single submitter. Criteria: ACMG Guidelines, 2015. Collection method: clinical testing. Allele origin: germline. Inheritance: Autosomal dominant inheritance. Affected: yes. Not counted in ClinVar's aggregate classification.
Comment: This variant is also known as 185delAG or 187delAG. Functional in vitro assays showed that this variant was deleterious [Bouwman P, et al. 2013].

University Health Network, Familial Cancer Clinic, Princess Margaret Cancer Centre
Classification: Pathogenic for BRCA1-related cancer predisposition. Review status: criteria provided, single submitter. Criteria: ACMG Guidelines, 2015. Collection method: clinical testing. Allele origin: germline. Inheritance: Autosomal dominant inheritance. Affected: yes. Observed: 1 variant allele. Not counted in ClinVar's aggregate classification.

KCCC/NGS Laboratory, Kuwait Cancer Control Center
Classification: Pathogenic for Breast-ovarian cancer, familial, susceptibility to, 1. Last evaluated: 2023-05-05. Review status: no assertion criteria provided. Collection method: clinical testing. Allele origin: germline. Affected: yes. Not counted in ClinVar's aggregate classification.
Comment: This sequence change deletes 2 nucleotides from exon 2 of the BRCA1 mRNA (c.68_69delAG), causing a frameshift after codon 23 and the creation of a premature translation stop signal 17 amino acid residues later – p.Glu23Valfs*17). This is expected to result in an absent or disrupted protein product. This variant, also known as BRCA1_185delAG or 187delAG, is one of three main pathogenic founder variants in the Ashkenazi Jewish population although it has been observed in individuals from other ethnicities as well (PMID: 23199084 ). This mutation has been described in the mutation database ClinVar(Variation ID: 17662). Therefore, this variant has been classified as pathogenic.

Cancer Genomics Lab, PINUM Cancer Hospital
Classification: Pathogenic for Triple-negative breast cancer. Last evaluated: 2023-03-11. Review status: no assertion criteria provided. Collection method: clinical testing. Allele origin: germline. Inheritance: Autosomal dominant inheritance. Affected: yes. Observed: 1 heterozygote. Not counted in ClinVar's aggregate classification.

CZECANCA consortium
Classification: Pathogenic for Endometrial carcinoma. Last evaluated: 2023-02-21. Review status: no assertion criteria provided. Collection method: clinical testing. Allele origin: germline. Affected: yes. Observed: 1 variant allele. Not counted in ClinVar's aggregate classification.

BRCAlab, Lund University
Classification: Pathogenic for Breast-ovarian cancer, familial, susceptibility to, 1. Last evaluated: 2022-08-26. Review status: no assertion criteria provided. Collection method: clinical testing. Allele origin: germline. Affected: yes. Not counted in ClinVar's aggregate classification.

Molecular Oncology, Hospital Universitario Central de Asturias (HUCA)
Classification: Pathogenic for Breast-ovarian cancer, familial, susceptibility to, 1. Last evaluated: 2021-05-24. Review status: no assertion criteria provided. Collection method: case-control. Allele origin: germline. Affected: yes. Not counted in ClinVar's aggregate classification.

CZECANCA consortium
Classification: Pathogenic for Breast and/or ovarian cancer. Last evaluated: 2019-06-11. Review status: no assertion criteria provided. Collection method: clinical testing. Allele origin: germline. Affected: yes. Observed: 6 variant alleles. Not counted in ClinVar's aggregate classification.

German Consortium for Hereditary Breast and Ovarian Cancer, University Hospital Cologne
Classification: Pathogenic for Ovarian neoplasm. Last evaluated: 2018-12-01. Review status: no assertion criteria provided. Collection method: research. Allele origin: germline. Affected: yes. Not counted in ClinVar's aggregate classification.

Foulkes Cancer Genetics LDI, Lady Davis Institute for Medical Research
Classification: Pathogenic for Breast and/or ovarian cancer. Last evaluated: 2016-06-22. Review status: no assertion criteria provided. Collection method: clinical testing. Allele origin: germline. Study: The Canadian Open Genetics Repository (COGR). Not counted in ClinVar's aggregate classification.

Pathway Genomics
Classification: Pathogenic for Breast-ovarian cancer, familial 1. Last evaluated: 2014-07-24. Review status: no assertion criteria provided. Collection method: clinical testing. Allele origin: germline. Not counted in ClinVar's aggregate classification.

Counsyl
Classification: Pathogenic for Breast-ovarian cancer, familial 1. Last evaluated: 2014-05-30. Review status: no assertion criteria provided. Collection method: literature only. Allele origin: unknown. Inheritance: Autosomal dominant inheritance. Not counted in ClinVar's aggregate classification.

Research Molecular Genetics Laboratory, Women's College Hospital, University of Toronto
Classification: Pathogenic for Hereditary breast ovarian cancer syndrome. Last evaluated: 2014-01-31. Review status: no assertion criteria provided. Collection method: research. Allele origin: germline. Affected: yes. Study: The Canadian Open Genetics Repository (COGR). Not counted in ClinVar's aggregate classification.

Sharing Clinical Reports Project (SCRP)
Classification: Pathogenic for Breast-ovarian cancer, familial 1. Last evaluated: 2013-11-14. Review status: no assertion criteria provided. Collection method: clinical testing. Allele origin: germline. Not counted in ClinVar's aggregate classification.

Biesecker Lab/Clinical Genomics Section, National Institutes of Health
Classification: Pathogenic for Breast-ovarian cancer, familial. Last evaluated: 2012-07-13. Review status: no assertion criteria provided. Collection method: research. Allele origin: germline. Affected: no. Observed: 1 variant allele, 1 heterozygote. Study: ClinSeq. Not counted in ClinVar's aggregate classification.
ClinVar note: Converted during submission from pathogenic to Pathogenic.

OMIM
Classification: Pathogenic for BREAST-OVARIAN CANCER, FAMILIAL, SUSCEPTIBILITY TO, 1. Last evaluated: 2008-10-01. Review status: no assertion criteria provided. Collection method: literature only. Allele origin: germline. Not counted in ClinVar's aggregate classification.

OMIM
Classification: risk factor for PANCREATIC CANCER, SUSCEPTIBILITY TO, 4. Last evaluated: 2008-10-01. Review status: no assertion criteria provided. Collection method: literature only. Allele origin: germline. Not counted in ClinVar's aggregate classification.

Breast Cancer Information Core (BIC) (BRCA1)
Classification: Pathogenic for Breast-ovarian cancer, familial 1. Last evaluated: 2002-05-29. Review status: no assertion criteria provided. Collection method: clinical testing. Allele origin: germline, unknown. Affected: yes. Observed: 2,092 variant alleles. Not counted in ClinVar's aggregate classification.

CHARM Consortium
No classification provided. Condition: Breast-ovarian cancer, familial, susceptibility to, 1. Review status: no classification provided. Collection method: phenotyping only. Allele origin: germline. Affected: yes. Not counted in ClinVar's aggregate classification.